The following is an entry in ClinVar:

NM_000252.3(MTM1):c.142G>T (p.Glu48Ter)

Gene: MTM1 (myotubularin 1; plus strand). Cytogenetic location: Xq28.
Variant type: single nucleotide variant.
Coding change: c.142G>T on transcript NM_000252.3 (MANE Select); coding-DNA position 142, G replaced by T.
Protein change: p.Glu48Ter; replaces glutamic acid 48 with a stop codon.
Molecular consequence: nonsense.
Genome position (GRCh38, 1-based): chrX:150,598,597, G>T. VCF-style: chrX-150598597-G-T. GRCh37 (hg19) VCF-style: chrX-149767061-G-T.
Other names: c.142G>T, p.Glu48Ter (NM_001376906.1, NM_001376907.1, NM_001376908.1); short protein forms E48*.
Identifiers: ClinVar variation 3347708 (VCV003347708.1).
Genomic context (GRCh38, chrX:150,598,597, plus strand): 5'-TGTGTATCTTGGTATCTATTTCCATTATTTTAGGGTACTTTTTTTATCTTAATAGACAAA[G>T]AAGTTATTTACATATGTCCTTTCAATGGCCCCATTAAGGGAAGAGTTTACATCACAAATT-3'

ClinVar aggregate classification (germline): Pathogenic (0 of 4 stars; one submission).

Conditions:
MTM1-related disorder. Also called: MTM1-related condition.

gnomAD v4.1: 1 of 1,161,823 alleles (0.000086%); highest among the groups gnomAD compares: Non-Finnish European, 0.00012%; no homozygotes.

Submission:

PreventionGenetics, part of Exact Sciences
Classification: Pathogenic for MTM1-related condition. Last evaluated: 2024-04-12. Review status: no assertion criteria provided. Collection method: clinical testing. Allele origin: germline.
Comment: The MTM1 c.142G>T variant is predicted to result in premature protein termination (p.Glu48*). This variant has been reported as maternally inherited in an individual with myotubular myopathy (Tanner et al. 1999. PubMed ID: 10063835). This variant is reported in 0.0012% of alleles in individuals of European (Non-Finnish) descent in gnomAD. Nonsense variants in MTM1 are expected to be pathogenic. This variant is interpreted as pathogenic.